The following is an entry in ClinVar:

ClinVar aggregate classification (germline): Pathogenic (1 of 4 stars; one submission).

Submission:

Labcorp Genetics (formerly Invitae), Labcorp
Classification: Pathogenic. Last evaluated: 2025-12-17. Review status: criteria provided, single submitter. Criteria: Invitae Variant Classification Sherloc (09022015). Collection method: clinical testing. Allele origin: germline.
Comment: This sequence change creates a premature translational stop signal (p.Tyr1132*) in the POLE gene. It is expected to result in an absent or disrupted protein product. Loss-of-function variants in POLE are known to be pathogenic (PMID: 23230001, 25948378, 30503519). This variant is not present in population databases (gnomAD no frequency). This variant has not been reported in the literature in individuals affected with POLE-related conditions. ClinVar contains an entry for this variant (Variation ID: 940957). For these reasons, this variant has been classified as Pathogenic.

Literature cited by the submitters: PubMed 23230001; PubMed 25948378; PubMed 30503519.

NM_006231.4(POLE):c.3396C>A (p.Tyr1132Ter)

Gene: POLE (DNA polymerase epsilon, catalytic subunit; minus strand). Cytogenetic location: 12q24.33.
Variant type: single nucleotide variant.
Coding change: c.3396C>A on transcript NM_006231.4 (MANE Select); coding-DNA position 3396, C replaced by A.
Protein change: p.Tyr1132Ter; replaces tyrosine 1132 with a stop codon.
Molecular consequence: nonsense.
Genome position (GRCh38, 1-based): chr12:132,657,412, G>T on the plus strand (C>A on the coding strand, the complement: POLE is on the minus strand). VCF-style: chr12-132657412-G-T. GRCh37 (hg19) VCF-style: chr12-133233998-G-T.
Other names: short protein forms Y1132*.
Identifiers: ClinVar variation 940957 (VCV000940957.7), dbSNP rs1593766726, ClinGen allele CA387389519.